The following is an entry in ClinVar:

ClinVar aggregate classification (germline): Benign. Review status: criteria provided, single submitter (1 of 4 stars). 2 submissions from 2 submitters: Benign (1). 1 of the submissions does not count toward it. Last evaluated 2018-06-29.

Conditions:
BMP5-related disorder. Also called: BMP5-related condition.

Allele frequency attached by ClinVar (database versions not stated): ESP Exome Variant Server 0.00338; ExAC 0.00117; gnomAD 0.00324 and 0.00345; 1000 Genomes Project 0.00359; 1000 Genomes Project 30x 0.00359; TOPMed 0.00387.
gnomAD v4.1: 918 of 1,613,082 alleles (0.057%); highest among the groups gnomAD compares: African/African-American, 1.1%; 2 homozygotes.

Submissions (2):

Labcorp Genetics (formerly Invitae), Labcorp
Classification: Benign. Last evaluated: 2018-06-29. Review status: criteria provided, single submitter. Criteria: Invitae Variant Classification Sherloc (09022015). Collection method: clinical testing. Allele origin: germline.

PreventionGenetics, part of Exact Sciences
Classification: Likely benign for BMP5-related condition. Last evaluated: 2019-02-28. Review status: no assertion criteria provided. Collection method: clinical testing. Allele origin: germline. Not counted in ClinVar's aggregate classification.
Comment: This variant is classified as likely benign based on ACMG/AMP sequence variant interpretation guidelines (Richards et al. 2015 PMID: 25741868, with internal and published modifications).

NM_021073.4(BMP5):c.1068C>T (p.His356=)

Gene: BMP5 (bone morphogenetic protein 5; minus strand). Cytogenetic location: 6p12.1.
Variant type: single nucleotide variant.
Coding change: c.1068C>T on transcript NM_021073.4 (MANE Select); coding-DNA position 1068, C replaced by T.
Protein change: p.His356=; no amino-acid change (histidine 356 retained).
Molecular consequence: synonymous variant. On other transcripts: intron variant (1).
Genome position (GRCh38, 1-based): chr6:55,760,493, G>A on the plus strand (C>T on the coding strand, the complement: BMP5 is on the minus strand). VCF-style: chr6-55760493-G-A. GRCh37 (hg19) VCF-style: chr6-55625291-G-A.
Other names: c.1068C>T, p.His356= (NM_001329754.2); c.1028-4811C>T (NM_001329756.2).
Identifiers: ClinVar variation 708435 (VCV000708435.5), dbSNP rs141227178, ClinGen allele CA3864704.
Genomic context (GRCh38, chr6:55,760,493, plus strand): 5'-CCAAAGTTGACTGAAAATTCCTACCTGCCATCCCAGATCCCGGAAGCTCACATAGAGTTC[G>A]TGCTTCTTACAGGCTTGTTTTTGCTCACTTGTGTTATAATCTGAAGATAAAAACCACATT-3'
Protein context (NP_066551.1, residues 346-366): TSEQKQACKK[His356=]ELYVSFRDLG